The following is an entry in ClinVar:

ClinVar aggregate classification (germline): Uncertain significance (1 of 4 stars; one submission).

Conditions:
Ullrich congenital muscular dystrophy 2 (UCMD2). Identifiers: Orphanet 75840, MedGen C4225314, MONDO:0014654, OMIM 616470.
Bethlem myopathy 2 (BTHLM2). Identifiers: Orphanet 536516, Orphanet 610, MedGen C4225313, MONDO:0034022, OMIM 616471.

Allele frequency attached by ClinVar (database versions not stated): gnomAD exomes below 0.00001.
gnomAD v4.1: 2 of 1,612,632 alleles (0.00012%); highest among the groups gnomAD compares: South Asian, 0.0011%; no homozygotes.

Submission:

Labcorp Genetics (formerly Invitae), Labcorp
Classification: Uncertain significance for Bethlem myopathy 2; Ullrich congenital muscular dystrophy 2. Last evaluated: 2023-10-11. Review status: criteria provided, single submitter. Criteria: Invitae Variant Classification Sherloc (09022015). Collection method: clinical testing. Allele origin: germline.
Comment: This sequence change replaces isoleucine, which is neutral and non-polar, with threonine, which is neutral and polar, at codon 210 of the COL12A1 protein (p.Ile210Thr). This variant is not present in population databases (gnomAD no frequency). This variant has not been reported in the literature in individuals affected with COL12A1-related conditions. Advanced modeling of protein sequence and biophysical properties (such as structural, functional, and spatial information, amino acid conservation, physicochemical variation, residue mobility, and thermodynamic stability) performed at Invitae indicates that this missense variant is not expected to disrupt COL12A1 protein function. In summary, the available evidence is currently insufficient to determine the role of this variant in disease. Therefore, it has been classified as a Variant of Uncertain Significance.

NM_004370.6(COL12A1):c.629T>C (p.Ile210Thr)

Gene: COL12A1 (collagen type XII alpha 1 chain; minus strand). Cytogenetic location: 6q13.
Variant type: single nucleotide variant.
Coding change: c.629T>C on transcript NM_004370.6 (MANE Select); coding-DNA position 629, T replaced by C.
Protein change: p.Ile210Thr; replaces isoleucine 210 with threonine.
Molecular consequence: missense variant. On other transcripts: intron variant (2).
Genome position (GRCh38, 1-based): chr6:75,189,581, A>G on the plus strand (T>C on the coding strand, the complement: COL12A1 is on the minus strand). VCF-style: chr6-75189581-A-G. GRCh37 (hg19) VCF-style: chr6-75899297-A-G.
Other names: c.629T>C, p.Ile210Thr (NM_001424113.1, NM_001424114.1, NM_001424115.1); c.73+13139T>C (NM_001424116.1, NM_080645.3); short protein forms I210T.
Identifiers: ClinVar variation 2950607 (VCV002950607.3), dbSNP rs2149475580, ClinGen allele CA364728569.